The following is an entry in ClinVar:

NM_005045.4(RELN):c.1181A>G (p.His394Arg)

Gene: RELN (reelin; minus strand). Cytogenetic location: 7q22.1.
Variant type: single nucleotide variant.
Coding change: c.1181A>G on transcript NM_005045.4 (MANE Select); coding-DNA position 1181, A replaced by G.
Protein change: p.His394Arg; replaces histidine 394 with arginine.
Molecular consequence: missense variant.
Genome position (GRCh38, 1-based): chr7:103,682,224, T>C on the plus strand (A>G on the coding strand, the complement: RELN is on the minus strand). VCF-style: chr7-103682224-T-C. GRCh37 (hg19) VCF-style: chr7-103322671-T-C.
Other names: c.1181A>G, p.His394Arg (NM_173054.3); short protein forms H394R.
Identifiers: ClinVar variation 2932779 (VCV002932779.3), dbSNP rs767947283, ClinGen allele CA4422339.

ClinVar aggregate classification (germline): Uncertain significance (1 of 4 stars; one submission).

Conditions:
Norman-Roberts syndrome (LIS2). Also called: Lissencephaly 2 (Norman-Roberts type). Identifiers: Orphanet 89844, MedGen C0796089, MONDO:0009760, OMIM 257320.
Familial temporal lobe epilepsy 7. Identifiers: Orphanet 101046, MedGen C4225327, MONDO:0014639, OMIM 616436.

Allele frequency attached by ClinVar (database versions not stated): gnomAD exomes below 0.00001; TOPMed below 0.00001; ExAC 0.00001.
gnomAD v4.1: 3 of 1,614,040 alleles (0.00019%); highest among the groups gnomAD compares: East Asian, 0.0022%; no homozygotes.

Submission:

Labcorp Genetics (formerly Invitae), Labcorp
Classification: Uncertain significance for Familial temporal lobe epilepsy 7; Norman-Roberts syndrome. Last evaluated: 2023-11-27. Review status: criteria provided, single submitter. Criteria: Invitae Variant Classification Sherloc (09022015). Collection method: clinical testing. Allele origin: germline.
Comment: This sequence change replaces histidine, which is basic and polar, with arginine, which is basic and polar, at codon 394 of the RELN protein (p.His394Arg). This variant is present in population databases (rs767947283, gnomAD 0.006%). This variant has not been reported in the literature in individuals affected with RELN-related conditions. Advanced modeling of protein sequence and biophysical properties (such as structural, functional, and spatial information, amino acid conservation, physicochemical variation, residue mobility, and thermodynamic stability) performed at Invitae indicates that this missense variant is not expected to disrupt RELN protein function with a negative predictive value of 80%. In summary, the available evidence is currently insufficient to determine the role of this variant in disease. Therefore, it has been classified as a Variant of Uncertain Significance.